The following is an entry in ClinVar:

ClinVar aggregate classification (germline): Likely pathogenic (1 of 4 stars; one submission).

Allele frequency attached by ClinVar (database versions not stated): gnomAD exomes below 0.00001.
gnomAD v4.1: 2 of 1,613,034 alleles (0.00012%); highest among the groups gnomAD compares: Non-Finnish European, 0.000085%; no homozygotes.

Submissions (2):

Labcorp Genetics (formerly Invitae), Labcorp
Classification: Likely pathogenic. Last evaluated: 2026-01-12. Review status: criteria provided, single submitter. Criteria: Invitae Variant Classification Sherloc (09022015). Collection method: clinical testing. Allele origin: germline.
Comment: This sequence change affects a donor splice site in intron 13 of the C2 gene. It is expected to disrupt RNA splicing. Variants that disrupt the donor or acceptor splice site typically lead to a loss of protein function (PMID: 16199547), and loss-of-function variants in C2 are known to be pathogenic (PMID: 1577763, 9616367). This variant is not present in population databases (gnomAD no frequency). This variant has not been reported in the literature in individuals affected with C2-related conditions. ClinVar contains an entry for this variant (Variation ID: 2125178). Algorithms developed to predict the effect of sequence changes on RNA splicing suggest that this variant may disrupt the consensus splice site. In summary, the currently available evidence indicates that the variant is pathogenic, but additional data are needed to prove that conclusively. Therefore, this variant has been classified as Likely Pathogenic.

Dr. Peter K. Rogan Lab, Western University
No classification provided (evidence only). Condition: Cervical cancer. Review status: no classification provided. Collection method: in vitro. Allele origin: not applicable. Functional consequence: skipped exon, retained intron. Not counted in ClinVar's aggregate classification.

Literature cited by the submitters: PubMed 16199547 (cited by Labcorp Genetics (formerly Invitae), Labcorp); PubMed 1577763 (cited by Labcorp Genetics (formerly Invitae), Labcorp); PubMed 9616367 (cited by Labcorp Genetics (formerly Invitae), Labcorp).

NM_000063.6(C2):c.1733+1G>A

Gene: C2 (complement C2; plus strand). Cytogenetic location: 6p21.33.
Variant type: single nucleotide variant.
Coding change: c.1733+1G>A on transcript NM_000063.6 (MANE Select); the canonical splice donor site of the intron after coding-DNA position 1733, G replaced by A.
Molecular consequence: splice donor variant.
Genome position (GRCh38, 1-based): chr6:31,943,810, G>A. VCF-style: chr6-31943810-G-A. GRCh37 (hg19) VCF-style: chr6-31911587-G-A.
Other names: c.995+1G>A (NM_001282457.2); c.1091+1G>A (NM_001178063.3); c.1646+1G>A (NM_001282458.2); c.1337+1G>A (NM_001145903.3).
Identifiers: ClinVar variation 2125178 (VCV002125178.5), dbSNP rs2482630361, ClinGen allele CA363380279.